The following is an entry in ClinVar:

ClinVar aggregate classification (germline): Uncertain significance (1 of 4 stars; one submission).

Conditions:
CHARGE syndrome (CHARGE). Also called: Hittner Hirsch Kreh syndrome; CHARGE ASSOCIATION--COLOBOMA, HEART ANOMALY, CHOANAL ATRESIA, RETARDATION, GENITAL AND EAR ANOMALIES; Coloboma, heart anomaly, choanal atresia, retardation, genital and ear anomalies; CHARGE association; Hall-Hittner syndrome. Identifiers: Orphanet 138, MedGen C0265354, MONDO:0008965.

Submission:

Labcorp Genetics (formerly Invitae), Labcorp
Classification: Uncertain significance for CHARGE syndrome. Last evaluated: 2024-09-21. Review status: criteria provided, single submitter. Criteria: Invitae Variant Classification Sherloc (09022015). Collection method: clinical testing. Allele origin: germline.
Comment: This sequence change replaces glycine, which is neutral and non-polar, with valine, which is neutral and non-polar, at codon 1846 of the CHD7 protein (p.Gly1846Val). This variant is not present in population databases (gnomAD no frequency). This variant has not been reported in the literature in individuals affected with CHD7-related conditions. An algorithm developed to predict the effect of missense changes on protein structure and function (PolyPhen-2) suggests that this variant is likely to be tolerated. In summary, the available evidence is currently insufficient to determine the role of this variant in disease. Therefore, it has been classified as a Variant of Uncertain Significance.

NM_017780.4(CHD7):c.5537G>T (p.Gly1846Val)

Gene: CHD7 (chromodomain helicase DNA binding protein 7; plus strand). Cytogenetic location: 8q12.2.
Variant type: single nucleotide variant.
Coding change: c.5537G>T on transcript NM_017780.4 (MANE Select); coding-DNA position 5537, G replaced by T.
Protein change: p.Gly1846Val; replaces glycine 1846 with valine.
Molecular consequence: missense variant. On other transcripts: intron variant (1).
Genome position (GRCh38, 1-based): chr8:60,851,034, G>T. VCF-style: chr8-60851034-G-T. GRCh37 (hg19) VCF-style: chr8-61763593-G-T.
Other names: c.1717-11195G>T (NM_001316690.1); short protein forms G1846V.
Identifiers: ClinVar variation 3717579 (VCV003717579.2).